The following is an entry in ClinVar:

NM_031418.4(ANO3):c.1152C>T (p.Ile384=)

Gene: ANO3 (anoctamin 3; plus strand). Cytogenetic location: 11p14.2.
Variant type: single nucleotide variant.
Coding change: c.1152C>T on transcript NM_031418.4 (MANE Select); coding-DNA position 1152, C replaced by T.
Protein change: p.Ile384=; no amino-acid change (isoleucine 384 retained).
Molecular consequence: synonymous variant.
Genome position (GRCh38, 1-based): chr11:26,542,066, C>T. VCF-style: chr11-26542066-C-T. GRCh37 (hg19) VCF-style: chr11-26563613-C-T.
Other names: c.1335C>T, p.Ile445= (NM_001313726.2); c.714C>T, p.Ile238= (NM_001313727.2).
Identifiers: ClinVar variation 3717291 (VCV003717291.2).
Genomic context (GRCh38, chr11:26,542,066, plus strand): 5'-ATTATATGAGCGCTGGGCACGCTGGGGAATGTGGTATAAGCATCAGCCTCTGGATTTAAT[C>T]AGGTACTGCAAATGGAACAATAATGAAAAGCAAAGTATTCTGTTTTGTGTCATTGTCTTA-3'
Protein context (NP_113606.2, residues 374-394): MWYKHQPLDL[Ile384=]RLYFGEKIGL

ClinVar aggregate classification (germline): Uncertain significance (1 of 4 stars; one submission).

Conditions:
Dystonic disorder. Also called: Dystonia. Identifiers: MedGen C0013421, MONDO:0003441, HP:0001332.

Submission:

Labcorp Genetics (formerly Invitae), Labcorp
Classification: Uncertain significance for Dystonic disorder. Last evaluated: 2026-02-02. Review status: criteria provided, single submitter. Criteria: Invitae Variant Classification Sherloc (09022015). Collection method: clinical testing. Allele origin: germline.
Comment: This sequence change affects codon 384 of the ANO3 mRNA. It is a 'silent' change, meaning that it does not change the encoded amino acid sequence of the ANO3 protein. This variant is not present in population databases (gnomAD no frequency). This variant has not been reported in the literature in individuals affected with ANO3-related conditions. ClinVar contains an entry for this variant (Variation ID: 3717291). Algorithms developed to predict the effect of sequence changes on RNA splicing suggest that this variant may disrupt the consensus splice site. In summary, the available evidence is currently insufficient to determine the role of this variant in disease. Therefore, it has been classified as a Variant of Uncertain Significance.